The following is an entry in ClinVar:

NM_004369.4(COL6A3):c.4298A>C (p.Asp1433Ala)

Gene: COL6A3 (collagen type VI alpha 3 chain; minus strand). Cytogenetic location: 2q37.3.
Variant type: single nucleotide variant.
Coding change: c.4298A>C on transcript NM_004369.4 (MANE Select); coding-DNA position 4298, A replaced by C.
Protein change: p.Asp1433Ala; replaces aspartic acid 1433 with alanine.
Molecular consequence: missense variant.
Genome position (GRCh38, 1-based): chr2:237,369,165, T>G on the plus strand (A>C on the coding strand, the complement: COL6A3 is on the minus strand). VCF-style: chr2-237369165-T-G. GRCh37 (hg19) VCF-style: chr2-238277808-T-G.
Other names: c.2477A>C, p.Asp826Ala (NM_057166.5); c.3680A>C, p.Asp1227Ala (NM_057167.4); short protein forms D1433A, D1227A, D826A.
Identifiers: ClinVar variation 3660596 (VCV003660596.2).

ClinVar aggregate classification (germline): Uncertain significance (1 of 4 stars; one submission).

Conditions:
Bethlem myopathy 1A. Also called: Bethlem myopathy 1; MYOPATHY, BENIGN CONGENITAL, WITH CONTRACTURES; Bethlem Muscular Dystrophy. Identifiers: Orphanet 610, MedGen CN029274, MONDO:0024530, OMIM 158810.

Submission:

Labcorp Genetics (formerly Invitae), Labcorp
Classification: Uncertain significance for Bethlem myopathy 1A. Last evaluated: 2024-09-27. Review status: criteria provided, single submitter. Criteria: Invitae Variant Classification Sherloc (09022015). Collection method: clinical testing. Allele origin: germline.
Comment: This sequence change replaces aspartic acid, which is acidic and polar, with alanine, which is neutral and non-polar, at codon 1433 of the COL6A3 protein (p.Asp1433Ala). This variant is present in population databases (rs764152742, gnomAD 0.01%). This variant has not been reported in the literature in individuals affected with COL6A3-related conditions. Invitae Evidence Modeling of protein sequence and biophysical properties (such as structural, functional, and spatial information, amino acid conservation, physicochemical variation, residue mobility, and thermodynamic stability) indicates that this missense variant is not expected to disrupt COL6A3 protein function with a negative predictive value of 80%. In summary, the available evidence is currently insufficient to determine the role of this variant in disease. Therefore, it has been classified as a Variant of Uncertain Significance.